The following is an entry in ClinVar:

ClinVar aggregate classification (germline): Likely benign (1 of 4 stars; one submission).

Conditions:
Tuberous sclerosis 2 (TSC2). Identifiers: Orphanet 805, MedGen C1860707, MONDO:0013199, OMIM 613254.

Submission:

Centre for Medical Genetics,  Mumbai
Classification: Likely benign for Tuberous sclerosis 2. Last evaluated: 2026-01-30. Review status: criteria provided, single submitter. Criteria: ACMG Guidelines, 2015. Collection method: provider interpretation. Allele origin: germline. Inheritance: Autosomal dominant inheritance. Affected: no. Observed: 1 heterozygote.
Comment: The variant satisfies PM2 criteria; Extremely low frequency in gnomAD population databases. The variant satisfies PP3 criteria; For a missense or a splicing region variant, computational prediction tools unanimously support a deleterious effect on the gene. The variant satisfies PM1 criteria; Non-truncating non-synonymous variant is located in a mutational hot spot and/or critical and well-established functional domain. However, the variant satisfies BS2 criteria.

Literature cited by the submitters: PubMed 17005952.

NM_000548.5(TSC2):c.2688G>T (p.Trp896Cys)

Gene: TSC2 (TSC complex subunit 2; plus strand). Cytogenetic location: 16p13.3.
Variant type: single nucleotide variant.
Coding change: c.2688G>T on transcript NM_000548.5 (MANE Select); coding-DNA position 2688, G replaced by T.
Protein change: p.Trp896Cys; replaces tryptophan 896 with cysteine.
Molecular consequence: missense variant. On other transcripts: non-coding transcript variant (5).
Genome position (GRCh38, 1-based): chr16:2,076,116, G>T. VCF-style: chr16-2076116-G-T. GRCh37 (hg19) VCF-style: chr16-2126117-G-T.
Other names: c.2778G>T, p.Trp926Cys (NM_001406668.1, NM_001406667.1); c.2577G>T, p.Trp859Cys (NM_001406670.1, NM_001406678.1, NM_001318827.2); c.2676G>T, p.Trp892Cys (NM_001406671.1, NM_001406673.1); c.2541G>T, p.Trp847Cys (NM_001406675.1, NM_001406676.1, NM_001406679.1 and 1 more transcripts); c.2631G>T, p.Trp877Cys (NM_001406677.1); c.2088G>T, p.Trp696Cys (NM_001406680.1, NM_001318831.2, NM_001406682.1 and 6 more transcripts); c.1344G>T, p.Trp448Cys (NM_001406690.1, NM_001406691.1, NM_001406692.1 and 6 more transcripts); c.1086G>T, p.Trp362Cys (NM_001406698.1); and 3 more; short protein forms W362C, W448C, W696C, W742C, W847C, W859C, W877C, W892C.
Identifiers: ClinVar variation 4688065 (VCV004688065.1).